The following is an entry in ClinVar:

NM_000053.4(ATP7B):c.2447+1G>A

Gene: ATP7B (ATPase copper transporting beta; minus strand). Cytogenetic location: 13q14.3.
Variant type: single nucleotide variant.
Coding change: c.2447+1G>A on transcript NM_000053.4 (MANE Select); the canonical splice donor site of the intron after coding-DNA position 2447, G replaced by A.
Molecular consequence: splice donor variant. On other transcripts: intron variant (1).
Genome position (GRCh38, 1-based): chr13:51,957,515, C>T on the plus strand (G>A on the coding strand, the complement: ATP7B is on the minus strand). VCF-style: chr13-51957515-C-T. GRCh37 (hg19) VCF-style: chr13-52531651-C-T.
Other names: c.1961+1G>A (NM_001406541.1, NM_001005918.3, NM_001406546.1 and 1 more transcripts); c.2195+1G>A (NM_001406531.1, NM_001406532.1, NM_001406540.1 and 1 more transcripts); c.2213+1G>A (NM_001406527.1, NM_001406528.1, NM_001406534.1 and 2 more transcripts); c.2303+1G>A (NM_001406537.1, NM_001406521.1, NM_001406522.1 and 1 more transcripts); c.2447+1G>A (NM_001406513.1, NM_001406511.1, NM_001406516.1 and 7 more transcripts); c.2099+1G>A (NM_001406543.1); c.2114+1G>A (NM_001243182.2); c.1286-7354G>A (NM_001406548.1); and 8 more.
Identifiers: ClinVar variation 1454582 (VCV001454582.9), dbSNP rs1958431105, ClinGen allele CA388020088.

ClinVar aggregate classification (germline): Pathogenic/Likely pathogenic. Review status: criteria provided, multiple submitters, no conflicts (2 of 4 stars). 2 submissions from 2 submitters: Pathogenic (1); Likely pathogenic (1). Last evaluated 2024-04-06.

Conditions:
Wilson disease (WND). Also called: Wilson's disease. Identifiers: Orphanet 905, MedGen C0019202, MONDO:0010200, OMIM 277900. Disease mechanism: loss of function.

Allele frequency attached by ClinVar (database versions not stated): gnomAD 0.00001.
gnomAD v4.1: 2 of 1,612,914 alleles (0.00012%); highest among the groups gnomAD compares: Non-Finnish European, 0.00017%; no homozygotes.

Submissions (2):

Labcorp Genetics (formerly Invitae), Labcorp
Classification: Pathogenic for Wilson disease. Last evaluated: 2024-04-06. Review status: criteria provided, single submitter. Criteria: Invitae Variant Classification Sherloc (09022015). Collection method: clinical testing. Allele origin: germline.
Comment: This sequence change affects a donor splice site in intron 9 of the ATP7B gene. It is expected to disrupt RNA splicing. Variants that disrupt the donor or acceptor splice site typically lead to a loss of protein function (PMID: 16199547), and loss-of-function variants in ATP7B are known to be pathogenic (PMID: 10441329, 16283883). This variant is not present in population databases (gnomAD no frequency). Disruption of this splice site has been observed in individual(s) with Wilson disease (PMID: 12885331). ClinVar contains an entry for this variant (Variation ID: 1454582). Algorithms developed to predict the effect of sequence changes on RNA splicing suggest that this variant may disrupt the consensus splice site. For these reasons, this variant has been classified as Pathogenic.

All of Us Research Program, National Institutes of Health
Classification: Likely pathogenic for Wilson disease. Last evaluated: 2023-10-02. Review status: criteria provided, single submitter. Criteria: ACMG Guidelines, 2015. Collection method: clinical testing. Allele origin: germline. Inheritance: Autosomal recessive inheritance. Observed: 1 variant allele, 1 heterozygote.
Comment: This variant causes a G to A nucleotide substitution at the +1 position of intron 9 of the ATP7B gene. Splice site prediction tools predict that this variant may have a significant impact on RNA splicing. Although this prediction has not been confirmed in published RNA studies, this variant is expected to result in an absent or disrupted protein product. This variant has not been reported in individuals affected with Wilson disease in the literature. This variant has not been identified in the general population by the Genome Aggregation Database (gnomAD). A different variant at the same position c.2447+1G>T with similar predicted impact on splicing is known to be disease-causing (ClinVar variation ID: 858218). Loss of ATP7B function is a known mechanism of disease. Based on the available evidence, this variant is classified as Likely Pathogenic.

This study involves interpretation of variants in research participants for the purpose of population health screening. Participant phenotype was not available at the time of variant classification. Additional details can be found in publication PMID: 35346344, PMCID: PMC8962531

Literature cited by the submitters: PubMed 16199547 (cited by Labcorp Genetics (formerly Invitae), Labcorp); PubMed 10441329 (cited by Labcorp Genetics (formerly Invitae), Labcorp); PubMed 16283883 (cited by Labcorp Genetics (formerly Invitae), Labcorp); PubMed 12885331 (cited by Labcorp Genetics (formerly Invitae), Labcorp).